The following is an entry in ClinVar:

NM_000702.4(ATP1A2):c.2943-75C>G

Gene: ATP1A2 (ATPase Na+/K+ transporting subunit alpha 2; plus strand). Cytogenetic location: 1q23.2.
Variant type: single nucleotide variant.
Coding change: c.2943-75C>G on transcript NM_000702.4 (MANE Select); 75 bases into the intron before coding-DNA position 2943, C replaced by G.
Molecular consequence: intron variant.
Genome position (GRCh38, 1-based): chr1:160,139,818, C>G. VCF-style: chr1-160139818-C-G. GRCh37 (hg19) VCF-style: chr1-160109608-C-G.
Identifiers: ClinVar variation 675947 (VCV000675947.2), dbSNP rs372451075, ClinGen allele CA31506163.
Genomic context (GRCh38, chr1:160,139,818, plus strand): 5'-GGCGGCCTGAGTAGTCATACGGGGGGCCTTCAGCCCCCTCCAGGATCCAAGTTCTGATCG[C>G]TTTGAATGCTCCTTTATGTGACAGCCACCAAGCCAACCTCTGATGCTGCTGACACTCTCC-3'

ClinVar aggregate classification (germline): Likely benign. Review status: criteria provided, multiple submitters, no conflicts (2 of 4 stars). 2 submissions from 2 submitters: Likely benign (2). Last evaluated 2018-06-14.

Allele frequency attached by ClinVar (database versions not stated): gnomAD exomes 0.00031; 1000 Genomes Project 0.00180; 1000 Genomes Project 30x 0.00203; gnomAD 0.00303 and 0.00324; TOPMed 0.00338.
gnomAD v4.1: 958 of 1,610,700 alleles (0.059%); highest among the groups gnomAD compares: African/African-American, 1%; 5 homozygotes.

Submissions (2):

GeneDx
Classification: Likely benign. Last evaluated: 2018-06-14. Review status: criteria provided, single submitter. Criteria: GeneDx Variant Classification (06012015). Collection method: clinical testing. Allele origin: germline. Affected: yes.
Comment: This variant is considered likely benign or benign based on one or more of the following criteria: it is a conservative change, it occurs at a poorly conserved position in the protein, it is predicted to be benign by multiple in silico algorithms, and/or has population frequency not consistent with disease.

Breakthrough Genomics
Classification: Likely benign. Review status: criteria provided, single submitter. Criteria: ACMG Guidelines, 2015. Collection method: not provided. Allele origin: germline. Inheritance: Autosomal recessive inheritance. Affected: yes.